The following is an entry in ClinVar:

NM_144596.4(TTC8):c.750A>G (p.Ser250=)

Gene: TTC8 (tetratricopeptide repeat domain 8; plus strand). Cytogenetic location: 14q31.3.
Variant type: single nucleotide variant.
Coding change: c.750A>G on transcript NM_144596.4 (MANE Select); coding-DNA position 750, A replaced by G.
Protein change: p.Ser250=; no amino-acid change (serine 250 retained).
Molecular consequence: synonymous variant. On other transcripts: non-coding transcript variant (1).
Genome position (GRCh38, 1-based): chr14:88,857,229, A>G. VCF-style: chr14-88857229-A-G. GRCh37 (hg19) VCF-style: chr14-89323573-A-G.
Other names: c.798A>G, p.Ser266= (NM_001288781.1); c.156A>G, p.Ser52= (NM_001288782.1); c.33A>G, p.Ser11= (NM_001288783.1); c.720A>G, p.Ser240= (NM_001366535.2, NM_198309.3); c.630A>G, p.Ser210= (NM_001366536.2, NM_198310.3).
Identifiers: ClinVar variation 4995473 (VCV004995473.1).

ClinVar aggregate classification (germline): Likely benign (1 of 4 stars; one submission).

Conditions:
TTC8-related disorder. Also called: TTC8-related condition.

gnomAD v4.1: 1 of 1,613,962 alleles (0.000062%); highest among the groups gnomAD compares: Non-Finnish European, 0.000085%; no homozygotes.

Submission:

PreventionGenetics, part of Exact Sciences
Classification: Likely benign for TTC8-related condition. Last evaluated: 2026-01-18. Review status: criteria provided, single submitter. Criteria: ACMG Guidelines, 2015. Collection method: clinical testing. Allele origin: germline.
Comment: This variant is classified as likely benign based on ACMG/AMP sequence variant interpretation guidelines (Richards et al. 2015 PMID: 25741868, with internal and published modifications).